The following is an entry in ClinVar:

NM_183050.4(BCKDHB):c.*1892T>C

Gene: BCKDHB (branched chain keto acid dehydrogenase E1 subunit beta; plus strand). Cytogenetic location: 6q14.1.
Variant type: single nucleotide variant.
Coding change: c.*1892T>C on transcript NM_183050.4 (MANE Select); 1892 bases downstream of the stop codon, T replaced by C.
Molecular consequence: 3 prime UTR variant. On other transcripts: non-coding transcript variant (1), intron variant (1).
Genome position (GRCh38, 1-based): chr6:80,345,696, T>C. VCF-style: chr6-80345696-T-C. GRCh37 (hg19) VCF-style: chr6-81055413-T-C.
Other names: c.*1892T>C (NM_001318975.1); c.*9-279T>C (NM_000056.5).
Identifiers: ClinVar variation 358210 (VCV000358210.5), dbSNP rs7740958, ClinGen allele CA10624848.
Genomic context (GRCh38, chr6:80,345,696, plus strand): 5'-TGTCTGTGAAAGCAACTGGCATCTACAATAAATCACACTTAGAGCTGGTTAGAGGACTCC[T>C]TCACTTTTGTTGTCCATGTGGTTCCCTTCCGTGGACCAGCCGTAATAAAGAGCCAAGGTA-3'

ClinVar aggregate classification (germline): Benign (1 of 4 stars; one submission).

Conditions:
Maple syrup urine disease (MSUD). Identifiers: Orphanet 511, MedGen C0024776, MeSH D008375, MONDO:0009563. Disease mechanism: loss of function.

Allele frequency attached by ClinVar (database versions not stated): 1000 Genomes Project 0.71526; 1000 Genomes Project 30x 0.71814; gnomAD 0.77648 and 0.78169; TOPMed 0.77913; gnomAD exomes 1.00000.
gnomAD v4.1: 118,254 of 152,176 alleles (78%); highest among the groups gnomAD compares: Admixed American, 84%; 46,309 homozygotes.

Submission:

Illumina Laboratory Services, Illumina
Classification: Benign for Maple syrup urine disease type 1A. Last evaluated: 2018-01-13. Review status: criteria provided, single submitter. Criteria: ICSL Variant Classification Criteria 13 December 2019. Collection method: clinical testing. Allele origin: germline.
Comment: This variant was observed in the ICSL laboratory as part of a predisposition screen in an ostensibly healthy population. It had not been previously curated by ICSL or reported in the Human Gene Mutation Database (HGMD: prior to June 1st, 2018), and was therefore a candidate for classification through an automated scoring system. Utilizing variant allele frequency, disease prevalence and penetrance estimates, and inheritance mode, an automated score was calculated to assess if this variant is too frequent to cause the disease. Based on the score and internal cut-off values, a variant classified as benign is not then subjected to further curation. The score for this variant resulted in a classification of benign for this disease.